The following is an entry in ClinVar:

ClinVar aggregate classification (germline): Uncertain significance (1 of 4 stars; one submission).

Conditions:
Hereditary cancer-predisposing syndrome. Also called: Neoplastic Syndromes, Hereditary; Tumor predisposition; Hereditary neoplastic syndrome; Hereditary Cancer Syndrome. Identifiers: Orphanet 140162, MedGen C0027672, MeSH D009386, MONDO:0015356.

Submission:

Ambry Genetics
Classification: Uncertain significance for Hereditary cancer-predisposing syndrome. Last evaluated: 2018-07-27. Review status: criteria provided, single submitter. Criteria: Ambry Variant Classification Scheme 2023. Collection method: clinical testing. Allele origin: germline.
Comment: The c.514_517dupATCA variant, located in coding exon 4 of the POLD1 gene, results from a duplication of ATCA at nucleotide position 514, causing a translational frameshift with a predicted alternate stop codon (p.S173Nfs*80). This alteration is expected to result in loss of function by premature protein truncation or nonsense-mediated mRNA decay. However, loss of function via haploinsufficiency in POLD1 has not been clearly established as a mechanism of disease. Since supporting evidence is limited at this time, the clinical significance of this alteration remains unclear.

NM_002691.4(POLD1):c.514_517dup (p.Ser173fs)

Gene: POLD1 (DNA polymerase delta 1, catalytic subunit; plus strand). Cytogenetic location: 19q13.33.
Variant type: Duplication.
Coding change: c.514_517dup on transcript NM_002691.4 (MANE Select); coding-DNA positions 514 to 517, 4 bases duplicated (ATCA; older notation c.514_517dupATCA).
Protein change: p.Ser173fs; shifts the reading frame from serine 173.
Molecular consequence: frameshift variant. On other transcripts: non-coding transcript variant (1).
Genome position (GRCh38, 1-based): chr19:50,402,049-50,402,052, ATCA duplicated. VCF-style (leftmost placement, unchanged base first): chr19-50402048-C-CATCA. GRCh37 (hg19) VCF-style: chr19-50905305-C-CATCA.
Other names: c.514_517dup, p.Ser173fs (NM_001256849.1, NM_001308632.1); short protein forms S173fs.
Identifiers: ClinVar variation 825473 (VCV000825473.4), dbSNP rs1601199496, ClinGen allele CA915951920.